The following is an entry in ClinVar:

ClinVar aggregate classification (germline): Uncertain significance. Review status: criteria provided, multiple submitters, no conflicts (2 of 4 stars). 2 submissions from 2 submitters: Uncertain significance (2). Last evaluated 2023-05-04.

Conditions:
Inborn genetic diseases. Identifiers: MedGen C0950123, MeSH D030342.
Cowden syndrome (CS). Also called: Cowden's disease; Cowden's syndrome; Cowden disease. Identifiers: Orphanet 201, MedGen C0018553, MONDO:0016063. Disease mechanism: gain of function.

Allele frequency attached by ClinVar (database versions not stated): TOPMed below 0.00001; gnomAD exomes 0.00001.

Submissions (2):

Labcorp Genetics (formerly Invitae), Labcorp
Classification: Uncertain significance for Cowden syndrome. Last evaluated: 2023-05-04. Review status: criteria provided, single submitter. Criteria: Invitae Variant Classification Sherloc (09022015). Collection method: clinical testing. Allele origin: germline.
Comment: In summary, the available evidence is currently insufficient to determine the role of this variant in disease. Therefore, it has been classified as a Variant of Uncertain Significance. Advanced modeling of protein sequence and biophysical properties (such as structural, functional, and spatial information, amino acid conservation, physicochemical variation, residue mobility, and thermodynamic stability) has been performed at Invitae for this missense variant, however the output from this modeling did not meet the statistical confidence thresholds required to predict the impact of this variant on PIK3CA protein function. ClinVar contains an entry for this variant (Variation ID: 1473477). This variant has not been reported in the literature in individuals affected with PIK3CA-related conditions. This variant is not present in population databases (gnomAD no frequency). This sequence change replaces methionine, which is neutral and non-polar, with threonine, which is neutral and polar, at codon 130 of the PIK3CA protein (p.Met130Thr).

Ambry Genetics
Classification: Uncertain significance for Inborn genetic diseases. Last evaluated: 2022-02-07. Review status: criteria provided, single submitter. Criteria: Ambry Variant Classification Scheme 2023. Collection method: clinical testing. Allele origin: germline.
Comment: The p.M130T variant (also known as c.389T>C), located in coding exon 2 of the PIK3CA gene, results from a T to C substitution at nucleotide position 389. The methionine at codon 130 is replaced by threonine, an amino acid with similar properties. This amino acid position is conserved. In addition, this alteration is predicted to be tolerated by in silico analysis. Since supporting evidence is limited at this time, the clinical significance of this alteration remains unclear.

NM_006218.4(PIK3CA):c.389T>C (p.Met130Thr)

Gene: PIK3CA (phosphatidylinositol-4,5-bisphosphate 3-kinase catalytic subunit alpha; plus strand). Cytogenetic location: 3q26.32.
Variant type: single nucleotide variant.
Coding change: c.389T>C on transcript NM_006218.4 (MANE Select); coding-DNA position 389, T replaced by C.
Protein change: p.Met130Thr; replaces methionine 130 with threonine.
Molecular consequence: missense variant.
Genome position (GRCh38, 1-based): chr3:179,199,726, T>C. VCF-style: chr3-179199726-T-C. GRCh37 (hg19) VCF-style: chr3-178917514-T-C.
Other names: short protein forms M130T.
Identifiers: ClinVar variation 1473477 (VCV001473477.10), dbSNP rs1724360472, ClinGen allele CA355273180.